The following is an entry in ClinVar:

NM_001040108.2(MLH3):c.3784C>T (p.Pro1262Ser)

Gene: MLH3 (mutL homolog 3; minus strand). Cytogenetic location: 14q24.3.
Variant type: single nucleotide variant.
Coding change: c.3784C>T on transcript NM_001040108.2 (MANE Select); coding-DNA position 3784, C replaced by T.
Protein change: p.Pro1262Ser; replaces proline 1262 with serine.
Molecular consequence: missense variant.
Genome position (GRCh38, 1-based): chr14:75,032,111, G>A on the plus strand (C>T on the coding strand, the complement: MLH3 is on the minus strand). VCF-style: chr14-75032111-G-A. GRCh37 (hg19) VCF-style: chr14-75498814-G-A.
Other names: c.3712C>T, p.Pro1238Ser (NM_014381.3); short protein forms P1262S, P1238S.
Identifiers: ClinVar variation 314373 (VCV000314373.27), dbSNP rs372912259, ClinGen allele CA7275329.

ClinVar aggregate classification (germline): Conflicting classifications of pathogenicity. Review status: criteria provided, conflicting classifications (1 of 4 stars). 4 submissions from 4 submitters: Uncertain significance (1); Benign (2); Likely benign (1). Last evaluated 2025-07-13.

Conditions:
Colorectal cancer, hereditary nonpolyposis, type 7. Identifiers: Orphanet 144, MedGen C1858380, MONDO:0013725, OMIM 614385.

Allele frequency attached by ClinVar (database versions not stated): gnomAD exomes 0.00071 and 0.00037; ExAC 0.00077; 1000 Genomes Project 30x 0.00141; 1000 Genomes Project 0.00160; gnomAD 0.00001 and 0.00024; TOPMed 0.00005.
gnomAD v4.1: 574 of 1,613,882 alleles (0.036%); highest among the groups gnomAD compares: South Asian, 0.59%; 9 homozygotes.

Submissions (4):

Labcorp Genetics (formerly Invitae), Labcorp
Classification: Benign for Colorectal cancer, hereditary nonpolyposis, type 7. Last evaluated: 2025-07-13. Review status: criteria provided, single submitter. Criteria: Invitae Variant Classification Sherloc (09022015). Collection method: clinical testing. Allele origin: germline.

Center for Genomic Medicine, Rigshospitalet, Copenhagen University Hospital
Classification: Uncertain significance. Last evaluated: 2025-03-04. Review status: criteria provided, single submitter. Criteria: ACMG Guidelines, 2015. Collection method: clinical testing. Allele origin: germline.

Ambry Genetics
Classification: Benign. Last evaluated: 2020-12-14. Review status: criteria provided, single submitter. Criteria: Ambry Variant Classification Scheme 2023. Collection method: clinical testing. Allele origin: germline.

Illumina Laboratory Services, Illumina
Classification: Likely benign for Colorectal cancer, hereditary nonpolyposis, type 7. Last evaluated: 2018-01-13. Review status: criteria provided, single submitter. Criteria: ICSL Variant Classification Criteria 13 December 2019. Collection method: clinical testing. Allele origin: germline.
Comment: This variant was observed in the ICSL laboratory as part of a predisposition screen in an ostensibly healthy population. It had not been previously curated by ICSL or reported in the Human Gene Mutation Database (HGMD: prior to June 1st, 2018), and was therefore a candidate for classification through an automated scoring system. Utilizing variant allele frequency, disease prevalence and penetrance estimates, and inheritance mode, an automated score was calculated to assess if this variant is too frequent to cause the disease. Based on the score and internal cut-off values, a variant classified as likely benign is not then subjected to further curation. The score for this variant resulted in a classification of likely benign for this disease.